The following is an entry in ClinVar:

NM_001378454.1(ALMS1):c.3112C>T (p.Gln1038Ter)

Gene: ALMS1 (ALMS1 centrosome and basal body associated protein; plus strand). Cytogenetic location: 2p13.1.
Variant type: single nucleotide variant.
Coding change: c.3112C>T on transcript NM_001378454.1 (MANE Select); coding-DNA position 3112, C replaced by T.
Protein change: p.Gln1038Ter; replaces glutamine 1038 with a stop codon.
Molecular consequence: nonsense.
Genome position (GRCh38, 1-based): chr2:73,449,639, C>T. VCF-style: chr2-73449639-C-T. GRCh37 (hg19) VCF-style: chr2-73676766-C-T.
Other names: c.3115C>T, p.Gln1039Ter (NM_015120.4); short protein forms Q1038*, Q1039*.
Identifiers: ClinVar variation 1411631 (VCV001411631.6), dbSNP rs2103777652, ClinGen allele CA347273844.

ClinVar aggregate classification (germline): Pathogenic (1 of 4 stars; one submission).

Conditions:
Alstrom syndrome (ALMS). Identifiers: Orphanet 64, MedGen C0268425, MONDO:0008763, OMIM 203800.

Submission:

Labcorp Genetics (formerly Invitae), Labcorp
Classification: Pathogenic for Alstrom syndrome. Last evaluated: 2021-04-13. Review status: criteria provided, single submitter. Criteria: Invitae Variant Classification Sherloc (09022015). Collection method: clinical testing. Allele origin: germline.
Comment: For these reasons, this variant has been classified as Pathogenic. This variant has not been reported in the literature in individuals with ALMS1-related conditions. This variant is not present in population databases (ExAC no frequency). This sequence change creates a premature translational stop signal (p.Gln1039*) in the ALMS1 gene. It is expected to result in an absent or disrupted protein product. Loss-of-function variants in ALMS1 are known to be pathogenic (PMID: 17594715).

Literature cited by the submitters: PubMed 17594715.